The following is an entry in ClinVar:

ClinVar aggregate classification (germline): Likely benign (1 of 4 stars; one submission).

Allele frequency attached by ClinVar (database versions not stated): gnomAD 0.00872 and 0.00933.

Submission:

GeneDx
Classification: Likely benign. Last evaluated: 2018-06-19. Review status: criteria provided, single submitter. Criteria: GeneDx Variant Classification (06012015). Collection method: clinical testing. Allele origin: germline. Affected: yes.
Comment: This variant is considered likely benign or benign based on one or more of the following criteria: it is a conservative change, it occurs at a poorly conserved position in the protein, it is predicted to be benign by multiple in silico algorithms, and/or has population frequency not consistent with disease.

NM_133642.5(LARGE1):c.1452-226_1452-225insGATATCA

Gene: LARGE1 (LARGE xylosyl- and glucuronyltransferase 1; minus strand). Cytogenetic location: 22q12.3.
Variant type: Insertion.
Coding change: c.1452-226_1452-225insGATATCA on transcript NM_133642.5 (MANE Select); 226 bases into the intron before coding-DNA position 1452 through 225 bases into the intron before coding-DNA position 1452, GATATCA inserted.
Molecular consequence: intron variant.
Genome position: GRCh38 VCF-style: chr22-33304732-G-GTGATATC. GRCh37 (hg19) VCF-style: chr22-33700718-G-GTGATATC.
Other names: c.1452-226_1452-225insGATATCA (NM_001362953.2, NM_001362949.2, NM_001378627.1 and 6 more transcripts); c.1296-226_1296-225insGATATCA (NM_001378629.1); c.693-226_693-225insGATATCA (NM_001378631.1); c.849-226_849-225insGATATCA (NM_001378630.1).
Identifiers: ClinVar variation 677627 (VCV000677627.1), dbSNP rs1569034184, ClinGen allele CA639288222.
Genomic context (GRCh38, chr22:33,304,732, plus strand): 5'-ATCAAAACACTTACCTTGCTGGTTCTCATCTTTCCCTGCTTCCAACTGAACATGTGATAT[G>GTGATATC]AAGTTGTATCCCACTATAAGCCTTGGACTCCTCGTTTCAAAGCCAGGTGGTGAGTATATT-3'